The following is an entry in ClinVar:

NM_000548.5(TSC2):c.4004G>A (p.Arg1335Lys)

Gene: TSC2 (TSC complex subunit 2; plus strand). Cytogenetic location: 16p13.3.
Variant type: single nucleotide variant.
Coding change: c.4004G>A on transcript NM_000548.5 (MANE Select); coding-DNA position 4004, G replaced by A.
Protein change: p.Arg1335Lys; replaces arginine 1335 with lysine.
Molecular consequence: missense variant.
Genome position (GRCh38, 1-based): chr16:2,083,815, G>A. VCF-style: chr16-2083815-G-A. GRCh37 (hg19) VCF-style: chr16-2133816-G-A.
Other names: c.4004G>A (NM_000548.3); c.3803G>A, p.Arg1268Lys (NM_001077183.3); c.3935G>A, p.Arg1312Lys (NM_001114382.3); c.3695G>A, p.Arg1232Lys (NM_001318827.2); c.3659G>A, p.Arg1220Lys (NM_001318829.2); c.3272G>A, p.Arg1091Lys (NM_001318831.2); c.3836G>A, p.Arg1279Lys (NM_001318832.2); c.3806G>A, p.Arg1269Lys (NM_001363528.2); and 2 more; short protein forms R1220K, R1268K, R1279K, R1269K, R1291K, R1232K, R1335K, R1091K.
Identifiers: ClinVar variation 1517467 (VCV001517467.9), dbSNP rs1403658994, ClinGen allele CA394297864.

ClinVar aggregate classification (germline): Uncertain significance. Review status: criteria provided, multiple submitters, no conflicts (2 of 4 stars). 2 submissions from 2 submitters: Uncertain significance (2). Last evaluated 2025-05-02.

Conditions:
Tuberous sclerosis 2 (TSC2). Identifiers: Orphanet 805, MedGen C1860707, MONDO:0013199, OMIM 613254.
Hereditary cancer-predisposing syndrome. Also called: Neoplastic Syndromes, Hereditary; Hereditary Cancer Syndrome; Tumor predisposition; Hereditary neoplastic syndrome. Identifiers: Orphanet 140162, MedGen C0027672, MeSH D009386, MONDO:0015356.

Submissions (2):

Ambry Genetics
Classification: Uncertain significance for Hereditary cancer-predisposing syndrome. Last evaluated: 2025-05-02. Review status: criteria provided, single submitter. Criteria: Ambry Variant Classification Scheme 2023. Collection method: clinical testing. Allele origin: germline.
Comment: The p.R1335K variant (also known as c.4004G>A), located in coding exon 32 of the TSC2 gene, results from a G to A substitution at nucleotide position 4004. The arginine at codon 1335 is replaced by lysine, an amino acid with highly similar properties. This amino acid position is conserved. In addition, the in silico prediction for this alteration is inconclusive. Based on the available evidence, the clinical significance of this variant remains unclear.

Labcorp Genetics (formerly Invitae), Labcorp
Classification: Uncertain significance for Tuberous sclerosis 2. Last evaluated: 2021-03-18. Review status: criteria provided, single submitter. Criteria: Invitae Variant Classification Sherloc (09022015). Collection method: clinical testing. Allele origin: germline.
Comment: In summary, the available evidence is currently insufficient to determine the role of this variant in disease. Therefore, it has been classified as a Variant of Uncertain Significance. Algorithms developed to predict the effect of missense changes on protein structure and function are either unavailable or do not agree on the potential impact of this missense change (SIFT: "Tolerated"; PolyPhen-2: "Probably Damaging"; Align-GVGD: "Class C0"). This variant has not been reported in the literature in individuals with TSC2-related conditions. This variant is not present in population databases (ExAC no frequency). This sequence change replaces arginine with lysine at codon 1335 of the TSC2 protein (p.Arg1335Lys). The arginine residue is moderately conserved and there is a small physicochemical difference between arginine and lysine.